The following is an entry in ClinVar:

ClinVar aggregate classification (germline): Uncertain significance. Review status: criteria provided, single submitter (1 of 4 stars). 2 submissions from 2 submitters: Uncertain significance (1). 1 of the submissions does not count toward it. Last evaluated 2021-08-13.

Conditions:
Argininosuccinate lyase deficiency. Also called: Argininosuccinic aciduria; ARGININOSUCCINIC ACID LYASE DEFICIENCY; ASL DEFICIENCY. Identifiers: Orphanet 23, MedGen C0268547, MONDO:0008815, OMIM 207900, HP:0025630.

Allele frequency attached by ClinVar (database versions not stated): gnomAD exomes below 0.00001 and 0.00001; gnomAD 0.00001.
gnomAD v4.1: 5 of 1,584,770 alleles (0.00032%); highest among the groups gnomAD compares: Non-Finnish European, 0.00043%; no homozygotes.

Submissions (2):

Labcorp Genetics (formerly Invitae), Labcorp
Classification: Uncertain significance for Argininosuccinate lyase deficiency. Last evaluated: 2021-08-13. Review status: criteria provided, single submitter. Criteria: Invitae Variant Classification Sherloc (09022015). Collection method: clinical testing. Allele origin: germline.
Comment: This sequence change replaces asparagine with serine at codon 195 of the ASL protein (p.Asn195Ser). The asparagine residue is highly conserved and there is a small physicochemical difference between asparagine and serine. This variant is not present in population databases (ExAC no frequency). This missense change has been observed in individual(s) with clinical features of ASL-related conditions (Invitae). Algorithms developed to predict the effect of missense changes on protein structure and function (SIFT, PolyPhen-2, Align-GVGD) all suggest that this variant is likely to be tolerated. In summary, the available evidence is currently insufficient to determine the role of this variant in disease. Therefore, it has been classified as a Variant of Uncertain Significance.

Natera, Inc.
Classification: Uncertain significance for Argininosuccinate lyase deficiency. Last evaluated: 2020-01-24. Review status: no assertion criteria provided. Collection method: clinical testing. Allele origin: germline. Not counted in ClinVar's aggregate classification.

NM_000048.4(ASL):c.584A>G (p.Asn195Ser)

Gene: ASL (argininosuccinate lyase; plus strand). Cytogenetic location: 7q11.21.
Variant type: single nucleotide variant.
Coding change: c.584A>G on transcript NM_000048.4 (MANE Select); coding-DNA position 584, A replaced by G.
Protein change: p.Asn195Ser; replaces asparagine 195 with serine.
Molecular consequence: missense variant. On other transcripts: intron variant (1).
Genome position (GRCh38, 1-based): chr7:66,086,803, A>G. VCF-style: chr7-66086803-A-G. GRCh37 (hg19) VCF-style: chr7-65551790-A-G.
Other names: c.584A>G, p.Asn195Ser (NM_001024943.2, NM_001024944.2); c.524+141A>G (NM_001024946.2); short protein forms N195S.
Identifiers: ClinVar variation 861794 (VCV000861794.8), dbSNP rs1409298819, ClinGen allele CA367642713.